The following is an entry in ClinVar:

NM_004329.3(BMPR1A):c.561T>C (p.Arg187=)

Gene: BMPR1A (bone morphogenetic protein receptor type 1A; plus strand). Cytogenetic location: 10q23.2.
Variant type: single nucleotide variant.
Coding change: c.561T>C on transcript NM_004329.3 (MANE Select); coding-DNA position 561, T replaced by C.
Protein change: p.Arg187=; no amino-acid change (arginine 187 retained).
Molecular consequence: synonymous variant. On other transcripts: non-coding transcript variant (3), intron variant (1).
Genome position (GRCh38, 1-based): chr10:86,912,270, T>C. VCF-style: chr10-86912270-T-C. GRCh37 (hg19) VCF-style: chr10-88672027-T-C.
Other names: c.636T>C, p.Arg212= (NM_001406559.1); c.609T>C, p.Arg203= (NM_001406560.1); c.561T>C, p.Arg187= (NM_001406561.1, NM_001406562.1, NM_001406563.1 and 20 more transcripts); c.477T>C, p.Arg159= (NM_001406584.1, NM_001406585.1, NM_001406586.1 and 2 more transcripts); c.334-4864T>C (NM_001406589.1).
Identifiers: ClinVar variation 2091970 (VCV002091970.6), dbSNP rs1843501884, ClinGen allele CA470307598.

ClinVar aggregate classification (germline): Benign/Likely benign. Review status: criteria provided, multiple submitters, no conflicts (2 of 4 stars). 3 submissions from 3 submitters: Benign (1); Likely benign (2). Last evaluated 2025-09-14.

Conditions:
Juvenile polyposis syndrome (JPS). Identifiers: Orphanet 2929, MedGen C0345893, MONDO:0017380, OMIM 174900.
Hereditary cancer-predisposing syndrome. Also called: Tumor predisposition; Neoplastic Syndromes, Hereditary; Hereditary neoplastic syndrome; Hereditary Cancer Syndrome. Identifiers: Orphanet 140162, MedGen C0027672, MeSH D009386, MONDO:0015356.

Allele frequency attached by ClinVar (database versions not stated): TOPMed below 0.00001.

Submissions (3):

Color Diagnostics, LLC DBA Color Health
Classification: Likely benign for Hereditary cancer-predisposing syndrome. Last evaluated: 2025-09-14. Review status: criteria provided, single submitter. Criteria: ACMG Guidelines, 2015. Collection method: clinical testing. Allele origin: germline.

Myriad Genetics, Inc.
Classification: Benign for Juvenile polyposis syndrome. Last evaluated: 2024-08-01. Review status: criteria provided, single submitter. Criteria: Myriad Autosomal Dominant, Autosomal Recessive and X-Linked Classification Criteria (2023). Collection method: clinical testing. Allele origin: unknown.
Comment: This variant is considered benign. This variant is a silent/synonymous amino acid change and it is not expected to impact splicing.

Labcorp Genetics (formerly Invitae), Labcorp
Classification: Likely benign for Juvenile polyposis syndrome. Last evaluated: 2022-02-02. Review status: criteria provided, single submitter. Criteria: Invitae Variant Classification Sherloc (09022015). Collection method: clinical testing. Allele origin: germline.